The following is an entry in ClinVar:

ClinVar aggregate classification (germline): Uncertain significance (1 of 4 stars; one submission).

gnomAD v4.1: 3 of 1,613,894 alleles (0.00019%); highest among the groups gnomAD compares: Non-Finnish European, 0.00025%; no homozygotes.

Submission:

Women's Health and Genetics/Laboratory Corporation of America, LabCorp
Classification: Uncertain significance. Last evaluated: 2025-09-23. Review status: criteria provided, single submitter. Criteria: LabCorp Variant Classification Summary - May 2015. Collection method: clinical testing. Allele origin: germline.
Comment: Variant summary: ESCO2 c.1263G>A (p.Val421Val) alters a conserved nucleotide located close to a canonical splice site and therefore could affect mRNA splicing, leading to a significantly altered protein sequence. Computational tools predict a significant impact on normal splicing: Two predict the variant abolishes a canonical 5' splicing donor site and one predicts the variant weakens this site. However, these predictions have yet to be confirmed by functional studies. The variant allele was found at a frequency of 4e-06 in 251356 control chromosomes (gnomAD). The available data on variant occurrences in the general population are insufficient to allow any conclusion about variant significance. To our knowledge, no occurrence of c.1263G>A in individuals affected with ESCO2-related conditions and no experimental evidence demonstrating its impact on protein function have been reported. No submitters have cited clinical-significance assessments for this variant to ClinVar. Based on the evidence outlined above, the variant was classified as uncertain significance.

NM_001017420.3(ESCO2):c.1263G>A (p.Val421=)

Gene: ESCO2 (establishment of sister chromatid cohesion N-acetyltransferase 2; plus strand). Cytogenetic location: 8p21.1.
Variant type: single nucleotide variant.
Coding change: c.1263G>A on transcript NM_001017420.3 (MANE Select); coding-DNA position 1263, G replaced by A.
Protein change: p.Val421=; no amino-acid change (valine 421 retained).
Molecular consequence: synonymous variant.
Genome position (GRCh38, 1-based): chr8:27,788,978, G>A. VCF-style: chr8-27788978-G-A. GRCh37 (hg19) VCF-style: chr8-27646495-G-A.
Identifiers: ClinVar variation 4536056 (VCV004536056.1).